The following is an entry in ClinVar:

NM_001388492.1(HTT):c.54GCA[37] (p.Gln38_Pro39insGlnGlnGlnGlnGlnGlnGlnGlnGlnGlnGlnGlnGlnGlnGlnGlnGlnGln)

Genes: HTT (huntingtin; plus strand), LOC109461479 (huntingtin repeat instability region; plus strand), LOC129929027 (ATAC-STARR-seq lymphoblastoid silent region 15199; plus strand). Cytogenetic location: 4p16.3.
Variant type: Microsatellite.
Coding change: c.54GCA[37] on transcript NM_001388492.1 (MANE Select); 37 copies in a row of the 3-base unit GCA starting at c.54.
Protein change: p.Gln38_Pro39insGlnGlnGlnGlnGlnGlnGlnGlnGlnGlnGlnGlnGlnGlnGlnGlnGlnGln.
Molecular consequence: inframe insertion.
Genome position: GRCh38, VCF-style position (the base before the change): chr4:3,074,876. GRCh37 (hg19), VCF-style position (the base before the change): chr4:3,076,603.
Other names: c.54GCA[37], p.Gln40_Pro41insGlnGlnGlnGlnGlnGlnGlnGlnGlnGlnGlnGlnGlnGlnGlnGln (NM_002111.8).
Identifiers: ClinVar variation 5042747 (VCV005042747.1).

ClinVar aggregate classification (germline): Uncertain significance (1 of 4 stars; one submission).

Conditions:
Huntington disease (HD). Also called: Huntington's chorea; Huntington's disease; HUNTINGTON CHOREA. Identifiers: Orphanet 248111, Orphanet 399, MedGen C0020179, MONDO:0007739, OMIM 143100.

Submission:

Department Of Human Genetics, Institute Of Clinical And Translational Research, Biomedical Research Center, Slovak Academy Of Sciences
Classification: Uncertain significance for Huntington disease. Last evaluated: 2026-09-23. Review status: criteria provided, single submitter. Criteria: ACMG Guidelines for Huntington disease, 2014. Collection method: research. Allele origin: germline. Inheritance: Autosomal dominant inheritance.
Comment: The NC_000004.12.g.3074878_3074940AGC[35]AAC[1]AGC[1] allele represents a complex trinucleotide repeat sequence in the HTT (huntingtin) gene. The repeat tract consists of 35 consecutive AGC repeats, followed by one AAC repeat and one additional AGC repeat. This sequence corresponds to 35 uninterrupted glutamine-encoding units or 37 interrupted glutamine-encoding repeat units (this count the AAC interruption and the additional AGC to the total number of repeats on the DNA level, while all resulting in glutamine residues at the protein level). Huntington disease (HD) is an autosomal dominant neurodegenerative disorder caused by an expansion of the CAG trinucleotide repeat in exon 1 of the HTT gene. HTT alleles containing 26 or fewer CAG repeats are considered within the normal range, whereas alleles containing 27–35 repeats are classified as intermediate/premutation, 36-39 repeats as reduced-penetrance pathogenic alleles, and 40 or more repeats as full-penetrance pathogenic alleles. This allele is classified as uncertain significance because the 35 uninterrupted repeats fall within the premutation range, whereas the total of 37 repeats, including interruptions, falls within the reduced-penetrance pathogenic range. The allele reached 0.16% frequency in the general population of Slovakia (in 609 genotyped alleles).